The following is an entry in ClinVar:

NM_000312.4(PROC):c.125G>A (p.Arg42His)

Gene: PROC (protein C, inactivator of coagulation factors Va and VIIIa; plus strand). Cytogenetic location: 2q14.3.
Variant type: single nucleotide variant.
Coding change: c.125G>A on transcript NM_000312.4 (MANE Select); coding-DNA position 125, G replaced by A.
Protein change: p.Arg42His; replaces arginine 42 with histidine.
Molecular consequence: missense variant.
Genome position (GRCh38, 1-based): chr2:127,421,337, G>A. VCF-style: chr2-127421337-G-A. GRCh37 (hg19) VCF-style: chr2-128178913-G-A.
Other names: c.308G>A, p.Arg103His (NM_001375602.1); c.188G>A, p.Arg63His (NM_001375603.1, NM_001375604.1, NM_001375606.1); c.125G>A, p.Arg42His (NM_001375605.1, NM_001375608.1, NM_001375611.1 and 1 more transcripts); c.209G>A, p.Arg70His (NM_001375607.1); c.101G>A, p.Arg34His (NM_001375609.1); c.119G>A, p.Arg40His (NM_001375610.1); short protein forms R42H, R103H, R34H, R40H, R63H, R70H.
Identifiers: ClinVar variation 161333 (VCV000161333.7), dbSNP rs369504169, ClinGen allele CA211707.

ClinVar aggregate classification (germline): Likely pathogenic. Review status: criteria provided, multiple submitters, no conflicts (2 of 4 stars). 4 submissions from 4 submitters: Likely pathogenic (3). 1 of the submissions does not count toward it. Last evaluated 2024-12-14.

Conditions:
Deep venous thrombosis. Also called: Deep vein thrombosis. Identifiers: MedGen C0149871, MeSH D020246, HP:0002625.
Thromboembolism. Identifiers: MedGen C0040038, HP:0001907.
Thrombophilia due to protein C deficiency, autosomal dominant. Also called: PROC DEFICIENCY, AUTOSOMAL DOMINANT; PROTEIN C DEFICIENCY, AUTOSOMAL DOMINANT. Identifiers: Orphanet 745, MedGen C2674321, MONDO:0008316, OMIM 176860. Disease mechanism: loss of function.

Allele frequency attached by ClinVar (database versions not stated): ExAC 0.00001; gnomAD 0.00001; gnomAD exomes 0.00001; ESP Exome Variant Server 0.00008.
gnomAD v4.1: 7 of 1,613,762 alleles (0.00043%); highest among the groups gnomAD compares: Non-Finnish European, 0.00042%; no homozygotes.

Submissions (4):

GeneDx
Classification: Likely pathogenic. Last evaluated: 2024-12-14. Review status: criteria provided, single submitter. Criteria: GeneDx Variant Classification Process June 2021. Collection method: clinical testing. Allele origin: germline. Affected: yes.
Comment: Not observed at significant frequency in large population cohorts (gnomAD); In silico analysis supports that this missense variant has a deleterious effect on protein structure/function; This variant is associated with the following publications: (PMID: 25637381, 31589614, 32833261, 31064749, 31254973, 38841958, 8324221)

NIHR Bioresource Rare Diseases, University of Cambridge
Classification: Likely pathogenic for Thromboembolism; Deep venous thrombosis. Last evaluated: 2019-02-01. Review status: criteria provided, single submitter. Criteria: ACMG Guidelines, 2015. Collection method: research. Allele origin: unknown. Affected: yes. Observed: 1 heterozygote. Study: ThromboGenomics.

ISTH-SSC Genomics in Thrombosis and Hemostasis, KU Leuven, Center for Molecular and Vascular Biology
Classification: Likely pathogenic for Thrombophilia due to protein C deficiency, autosomal dominant. Review status: criteria provided, single submitter. Criteria: ACMG Guidelines, 2015. Collection method: clinical testing. Allele origin: germline. Affected: yes. Observed: 3 heterozygotes. Clinical features observed: Venous thrombosis, Thrombosis in the abdominal vessels, Pulmonary embolism, Normal thrombophilia screening.
Comment: Submitted to GoldVariant by Kathleen Freson, Center for Molecular and Vascular Biology, Leuven, Belgium

CSER _CC_NCGL, University of Washington
Classification: Likely pathogenic for Protein C deficiency. Last evaluated: 2014-06-01. Review status: no assertion criteria provided. Collection method: research. Allele origin: germline. Inheritance: Autosomal dominant inheritance. Study: ESP 6500 variant annotation. Not counted in ClinVar's aggregate classification.
Comment: Variants classified for the Actionable exomic incidental findings in 6503 participants: challenges of variant classification manuscript

Literature cited by the submitters: PubMed 31064749 (cited by NIHR Bioresource Rare Diseases, University of Cambridge).